The following is an entry in ClinVar:

NM_001363118.2(SLC52A2):c.1118T>G (p.Val373Gly)

Gene: SLC52A2 (solute carrier family 52 member 2; plus strand). Cytogenetic location: 8q24.3.
Variant type: single nucleotide variant.
Coding change: c.1118T>G on transcript NM_001363118.2 (MANE Select); coding-DNA position 1118, T replaced by G.
Protein change: p.Val373Gly; replaces valine 373 with glycine.
Molecular consequence: missense variant. On other transcripts: non-coding transcript variant (1).
Genome position (GRCh38, 1-based): chr8:144,360,706, T>G. VCF-style: chr8-144360706-T-G. GRCh37 (hg19) VCF-style: chr8-145584366-T-G.
Other names: c.1118T>G, p.Val373Gly (NM_001253815.2, NM_001253816.2, NM_001363120.2 and 2 more transcripts); c.626T>G, p.Val209Gly (NM_001363122.2); short protein forms V373G, V209G.
Identifiers: ClinVar variation 540432 (VCV000540432.9), dbSNP rs200245353, ClinGen allele CA187657726.

ClinVar aggregate classification (germline): Uncertain significance. Review status: criteria provided, multiple submitters, no conflicts (2 of 4 stars). 2 submissions from 2 submitters: Uncertain significance (2). Last evaluated 2022-02-03.

Conditions:
Brown-Vialetto-van Laere syndrome 2. Also called: Riboflavin transporter deficiency type 2; SPINOCEREBELLAR ATAXIA WITH BLINDNESS AND DEAFNESS 2. Identifiers: Orphanet 572543, Orphanet 97229, MedGen C3553538, MONDO:0013867, OMIM 614707.

Allele frequency attached by ClinVar (database versions not stated): gnomAD 0.00002 and 0.00003; TOPMed 0.00002.

Submissions (2):

Labcorp Genetics (formerly Invitae), Labcorp
Classification: Uncertain significance for Brown-Vialetto-van Laere syndrome 2. Last evaluated: 2022-02-03. Review status: criteria provided, single submitter. Criteria: Invitae Variant Classification Sherloc (09022015). Collection method: clinical testing. Allele origin: germline.
Comment: In summary, the available evidence is currently insufficient to determine the role of this variant in disease. Therefore, it has been classified as a Variant of Uncertain Significance. Advanced modeling of protein sequence and biophysical properties (such as structural, functional, and spatial information, amino acid conservation, physicochemical variation, residue mobility, and thermodynamic stability) performed at Invitae indicates that this missense variant is not expected to disrupt SLC52A2 protein function. ClinVar contains an entry for this variant (Variation ID: 540432). This variant has not been reported in the literature in individuals affected with SLC52A2-related conditions. This variant is not present in population databases (gnomAD no frequency). This sequence change replaces valine, which is neutral and non-polar, with glycine, which is neutral and non-polar, at codon 373 of the SLC52A2 protein (p.Val373Gly).

Fulgent Genetics
Classification: Uncertain significance for Brown-Vialetto-van Laere syndrome 2. Last evaluated: 2021-08-06. Review status: criteria provided, single submitter. Criteria: ACMG Guidelines, 2015. Collection method: clinical testing. Allele origin: unknown.